The following is an entry in ClinVar:

ClinVar aggregate classification (germline): Pathogenic/Likely pathogenic. Review status: criteria provided, multiple submitters, no conflicts (2 of 4 stars). 2 submissions from 2 submitters: Pathogenic (1); Likely pathogenic (1). Last evaluated 2019-07-16.

Conditions:
Neonatal diabetes mellitus (NDM). Identifiers: Orphanet 224, MedGen C0158981, MONDO:0016391.

Submissions (2):

Genetic Services Laboratory, University of Chicago
Classification: Pathogenic. Last evaluated: 2019-07-16. Review status: criteria provided, single submitter. Criteria: ACMG Guidelines, 2015. Collection method: clinical testing. Allele origin: germline. Affected: yes.
Comment: DNA sequence analysis of the ABCC8 gene demonstrated a sequence change, c.4136G>T, in exon 34 that results in an amino acid change, p.Arg1379Leu. The p.Arg1379Leu change has been identified in patients with transient neonatal diabetes and family members of these individuals who were diagnosed with diabetes in adulthood (PMID: 18025464). Additionally, several other mutations affecting the same amino acid residue (p.Arg1379Cys, p.Arg1379His, p.Arg1379Pro, p.Arg1379Ser) have been reported in patients with neonatal diabetes as well as adult onset diabetes (PMIDs: 18025464, 16885549, 24622368, 25555642). The p.Arg1379Leu change is absent from large population databases such as ExAC and gnomAD. The p.Arg1379Leu change affects a highly conserved amino acid residue located in a domain of the SUR1 protein that is known to be functional. The p.Arg1379Leu substitution appears to be deleterious using several in-silico pathogenicity prediction tools (SIFT, PolyPhen2, Align GVGD, REVEL).

Women's Health and Genetics/Laboratory Corporation of America, LabCorp
Classification: Likely pathogenic for Neonatal Diabetes Mellitus. Last evaluated: 2011-08-18. Review status: criteria provided, single submitter. Criteria: LabCorp Variant Classification Summary - May 2015. Collection method: curation, clinical testing. Allele origin: germline. Inheritance: autosomal dominant. Affected: yes. Observed: 5 variant alleles.
ClinVar note: Converted during submission from likely pathogenic to Likely pathogenic.

Literature cited by the submitters: PubMed 19095654 (cited by Women's Health and Genetics/Laboratory Corporation of America, LabCorp); PubMed 18025408 (cited by Women's Health and Genetics/Laboratory Corporation of America, LabCorp); PubMed 18025464 (cited by Women's Health and Genetics/Laboratory Corporation of America, LabCorp); PubMed 18436707 (cited by Women's Health and Genetics/Laboratory Corporation of America, LabCorp); PubMed 17919176 (cited by Women's Health and Genetics/Laboratory Corporation of America, LabCorp).

NM_000352.6(ABCC8):c.4136G>T (p.Arg1379Leu)

Gene: ABCC8 (ATP binding cassette subfamily C member 8; minus strand). Cytogenetic location: 11p15.1.
Variant type: single nucleotide variant.
Coding change: c.4136G>T on transcript NM_000352.6 (MANE Select); coding-DNA position 4136, G replaced by T.
Protein change: p.Arg1379Leu; replaces arginine 1379 with leucine.
Molecular consequence: missense variant. On other transcripts: non-coding transcript variant (1).
Genome position (GRCh38, 1-based): chr11:17,395,914, C>A on the plus strand (G>T on the coding strand, the complement: ABCC8 is on the minus strand). VCF-style: chr11-17395914-C-A. GRCh37 (hg19) VCF-style: chr11-17417461-C-A.
Other names: c.4139G>T, p.Arg1380Leu (NM_001287174.3); c.4202G>T, p.Arg1401Leu (NM_001351295.2); c.4136G>T, p.Arg1379Leu (NM_001351296.2); c.4133G>T, p.Arg1378Leu (NM_001351297.2); short protein forms R1379L, R1380L, R1378L, R1401L.
Identifiers: ClinVar variation 35615 (VCV000035615.7), dbSNP rs193922401, ClinGen allele CA213457.